The following is an entry in ClinVar:

NM_001365951.3(KIF1B):c.*3154A>G

Gene: KIF1B (kinesin family member 1B; plus strand). Cytogenetic location: 1p36.22.
Variant type: single nucleotide variant.
Coding change: c.*3154A>G on transcript NM_001365951.3 (MANE Select); 3154 bases downstream of the stop codon, A replaced by G.
Molecular consequence: 3 prime UTR variant.
Genome position (GRCh38, 1-based): chr1:10,379,741, A>G. VCF-style: chr1-10379741-A-G. GRCh37 (hg19) VCF-style: chr1-10439799-A-G.
Other names: c.*3154A>G (NM_001365952.1, NM_015074.3).
Identifiers: ClinVar variation 291640 (VCV000291640.6), dbSNP rs41310365, ClinGen allele CA10607365.

ClinVar aggregate classification (germline): Benign. Review status: criteria provided, multiple submitters, no conflicts (2 of 4 stars). 2 submissions from 2 submitters: Benign (2). Last evaluated 2018-01-12.

Conditions:
Neuroblastoma (NB). Identifiers: Orphanet 635, MedGen C0027819, MeSH D009447, MONDO:0005072, HP:0003006.

Allele frequency attached by ClinVar (database versions not stated): gnomAD 0.02920 and 0.03073; 1000 Genomes Project 30x 0.01483; 1000 Genomes Project 0.01518; gnomAD exomes 0.02060; TOPMed 0.02699.
gnomAD v4.1: 6,023 of 230,486 alleles (2.6%); highest among the groups gnomAD compares: African/African-American, 3.8%; 86 homozygotes.

Submissions (2):

Illumina Laboratory Services, Illumina
Classification: Benign for Neuroblastoma. Last evaluated: 2018-01-12. Review status: criteria provided, single submitter. Criteria: ICSL Variant Classification Criteria 13 December 2019. Collection method: clinical testing. Allele origin: germline.
Comment: This variant was observed in the ICSL laboratory as part of a predisposition screen in an ostensibly healthy population. It had not been previously curated by ICSL or reported in the Human Gene Mutation Database (HGMD: prior to June 1st, 2018), and was therefore a candidate for classification through an automated scoring system. Utilizing variant allele frequency, disease prevalence and penetrance estimates, and inheritance mode, an automated score was calculated to assess if this variant is too frequent to cause the disease. Based on the score and internal cut-off values, a variant classified as benign is not then subjected to further curation. The score for this variant resulted in a classification of benign for this disease.

Breakthrough Genomics
Classification: Benign. Review status: criteria provided, single submitter. Criteria: ACMG Guidelines, 2015. Collection method: not provided. Allele origin: germline. Inheritance: Autosomal dominant inheritance. Affected: yes.